The following is an entry in ClinVar:

NM_004329.3(BMPR1A):c.1167-19T>C

Gene: BMPR1A (bone morphogenetic protein receptor type 1A; plus strand). Cytogenetic location: 10q23.2.
Variant type: single nucleotide variant.
Coding change: c.1167-19T>C on transcript NM_004329.3 (MANE Select); 19 bases into the intron before coding-DNA position 1167, T replaced by C.
Molecular consequence: intron variant.
Genome position (GRCh38, 1-based): chr10:86,921,501, T>C. VCF-style: chr10-86921501-T-C. GRCh37 (hg19) VCF-style: chr10-88681258-T-C.
Identifiers: ClinVar variation 2073742 (VCV002073742.5), dbSNP rs1843664189, ClinGen allele CA1925727603.
Genomic context (GRCh38, chr10:86,921,501, plus strand): 5'-TATAAAATAGGACAAAAATACAAGATAAACTATTTTATTTTTGGCCCTCAACTTGGACCT[T>C]GGCTTTCTTTTGTTTCAGTGACACAAATGAAGTTGATGTGCCCTTGAATACCAGGGTGGG-3'

ClinVar aggregate classification (germline): Likely benign. Review status: criteria provided, multiple submitters, no conflicts (2 of 4 stars). 2 submissions from 2 submitters: Likely benign (2). Last evaluated 2024-08-06.

Conditions:
Juvenile polyposis syndrome (JPS). Identifiers: Orphanet 2929, MedGen C0345893, MONDO:0017380, OMIM 174900.

Allele frequency attached by ClinVar (database versions not stated): TOPMed below 0.00001.

Submissions (2):

Myriad Genetics, Inc.
Classification: Likely benign for Juvenile polyposis syndrome. Last evaluated: 2024-08-06. Review status: criteria provided, single submitter. Criteria: Myriad Autosomal Dominant, Autosomal Recessive and X-Linked Classification Criteria (2023). Collection method: clinical testing. Allele origin: unknown.
Comment: This variant is considered likely benign. This variant is intronic and is not expected to impact mRNA splicing.

Labcorp Genetics (formerly Invitae), Labcorp
Classification: Likely benign for Juvenile polyposis syndrome. Last evaluated: 2024-03-26. Review status: criteria provided, single submitter. Criteria: Invitae Variant Classification Sherloc (09022015). Collection method: clinical testing. Allele origin: germline.